The following is an entry in ClinVar:

NM_000548.5(TSC2):c.223G>A (p.Glu75Lys)

Gene: TSC2 (TSC complex subunit 2; plus strand). Cytogenetic location: 16p13.3.
Variant type: single nucleotide variant.
Coding change: c.223G>A on transcript NM_000548.5 (MANE Select); coding-DNA position 223, G replaced by A.
Protein change: p.Glu75Lys; replaces glutamic acid 75 with lysine.
Molecular consequence: missense variant. On other transcripts: 5 prime UTR variant (1).
Genome position (GRCh38, 1-based): chr16:2,050,484, G>A. VCF-style: chr16-2050484-G-A. GRCh37 (hg19) VCF-style: chr16-2100485-G-A.
Other names: p.E75K:GAG>AAG; c.223G>A, p.Glu75Lys (NM_001077183.3, NM_001114382.3, NM_001318827.2 and 4 more transcripts); c.76G>A, p.Glu26Lys (NM_001318829.2); c.-4G>A (NM_001318831.2); c.256G>A, p.Glu86Lys (NM_001318832.2); c.223G>A (NM_000548.4); short protein forms E75K, E26K, E86K.
Identifiers: ClinVar variation 161399 (VCV000161399.67), dbSNP rs145470784, ClinGen allele CA017070.

ClinVar aggregate classification (germline): Benign/Likely benign. Review status: criteria provided, multiple submitters, no conflicts (2 of 4 stars). 12 submissions from 12 submitters: Benign (4); Likely benign (6). 2 of the submissions do not count toward it. Last evaluated 2026-03-01.

Conditions:
TSC2-related disorder. Also called: TSC2-related condition; TSC2-Related Disorders.
Hereditary cancer-predisposing syndrome. Also called: Tumor predisposition; Neoplastic Syndromes, Hereditary; Hereditary neoplastic syndrome; Hereditary Cancer Syndrome. Identifiers: Orphanet 140162, MedGen C0027672, MeSH D009386, MONDO:0015356.
Tuberous sclerosis syndrome (TSC). Also called: Tuberous Sclerosis Complex; Tuberous sclerosis. Identifiers: Orphanet 805, MedGen C0041341, MONDO:0001734.
Tuberous sclerosis 2 (TSC2). Identifiers: Orphanet 805, MedGen C1860707, MONDO:0013199, OMIM 613254.

Allele frequency attached by ClinVar (database versions not stated): TOPMed 0.00010; gnomAD 0.00011 and 0.00013; ExAC 0.00012; gnomAD exomes 0.00012; ESP Exome Variant Server 0.00023.
gnomAD v4.1: 234 of 1,613,418 alleles (0.015%); highest among the groups gnomAD compares: Non-Finnish European, 0.018%; no homozygotes.

Submissions (12):

CeGaT Center for Human Genetics Tuebingen
Classification: Likely benign. Last evaluated: 2026-03-01. Review status: criteria provided, single submitter. Criteria: CeGaT Center For Human Genetics Tuebingen Variant Classification Criteria Version 2. Collection method: clinical testing. Allele origin: germline. Affected: yes. Observed: 16 variant alleles.
Comment: TSC2: PM5, BS1, BS2

Labcorp Genetics (formerly Invitae), Labcorp
Classification: Benign for Tuberous sclerosis 2. Last evaluated: 2026-01-27. Review status: criteria provided, single submitter. Criteria: Invitae Variant Classification Sherloc (09022015). Collection method: clinical testing. Allele origin: germline.

Color Diagnostics, LLC DBA Color Health
Classification: Benign for Tuberous sclerosis syndrome. Last evaluated: 2025-11-24. Review status: criteria provided, single submitter. Criteria: ACMG Guidelines, 2015. Collection method: clinical testing. Allele origin: germline.

Ambry Genetics
Classification: Likely benign for Hereditary cancer-predisposing syndrome. Last evaluated: 2025-06-05. Review status: criteria provided, single submitter. Criteria: Ambry Variant Classification Scheme 2023. Collection method: clinical testing. Allele origin: germline.

Myriad Genetics, Inc.
Classification: Likely benign for Tuberous sclerosis 2. Last evaluated: 2025-05-02. Review status: criteria provided, single submitter. Criteria: Myriad Autosomal Dominant, Autosomal Recessive and X-Linked Classification Criteria (2023). Collection method: clinical testing. Allele origin: unknown.
Comment: This variant is considered likely benign. This variant has been observed at a population frequency that is significantly greater than expected given the associated disease prevalence and penetrance.

Laboratory of Genetics, Children's Clinical University Hospital Latvia
Classification: Likely benign. Last evaluated: 2025-02-16. Review status: criteria provided, single submitter. Criteria: ACMG Guidelines, 2015. Collection method: clinical testing. Allele origin: germline. Affected: yes.

Blueprint Genetics
Classification: Likely benign. Last evaluated: 2024-11-18. Review status: criteria provided, single submitter. Criteria: ACMG Guidelines, 2015. Collection method: clinical testing. Allele origin: germline.

Genome-Nilou Lab
Classification: Benign for Tuberous sclerosis 2. Last evaluated: 2021-11-07. Review status: criteria provided, single submitter. Criteria: ACMG Guidelines, 2015. Collection method: clinical testing. Allele origin: germline. Affected: no.

Sema4
Classification: Likely benign for Hereditary cancer-predisposing syndrome. Last evaluated: 2021-05-28. Review status: criteria provided, single submitter. Criteria: Sema4 Curation Guidelines. Collection method: curation. Allele origin: germline.

GeneDx
Classification: Benign. Last evaluated: 2020-02-11. Review status: criteria provided, single submitter. Criteria: GeneDx Variant Classification Process June 2021. Collection method: clinical testing. Allele origin: germline. Affected: yes.
Comment: This variant is associated with the following publications: (PMID: 27153395, 19254590, 25637381, 29655203)

PreventionGenetics, part of Exact Sciences
Classification: Likely benign for TSC2-related condition. Last evaluated: 2023-03-13. Review status: no assertion criteria provided. Collection method: clinical testing. Allele origin: germline. Not counted in ClinVar's aggregate classification.
Comment: This variant is classified as likely benign based on ACMG/AMP sequence variant interpretation guidelines (Richards et al. 2015 PMID: 25741868, with internal and published modifications).

CSER _CC_NCGL, University of Washington
Classification: Uncertain significance for Tuberous sclerosis. Last evaluated: 2014-06-01. Review status: no assertion criteria provided. Collection method: research. Allele origin: germline. Inheritance: Autosomal dominant inheritance. Study: ESP 6500 variant annotation. Not counted in ClinVar's aggregate classification.
Comment: Variants classified for the Actionable exomic incidental findings in 6503 participants: challenges of variant classification manuscript